The following is an entry in ClinVar:

ClinVar aggregate classification (germline): Uncertain significance (1 of 4 stars; one submission).

Conditions:
Familial cancer of breast. Also called: hereditary breast carcinoma; Hereditary breast cancer; BREAST CANCER, FAMILIAL. Identifiers: Orphanet 227535, MedGen C0346153, MONDO:0016419, OMIM 114480. Disease mechanism: loss of function.

Submission:

Labcorp Genetics (formerly Invitae), Labcorp
Classification: Uncertain significance for Familial cancer of breast. Last evaluated: 2022-05-30. Review status: criteria provided, single submitter. Criteria: Invitae Variant Classification Sherloc (09022015). Collection method: clinical testing. Allele origin: germline.
Comment: This sequence change replaces leucine, which is neutral and non-polar, with histidine, which is basic and polar, at codon 199 of the PALB2 protein (p.Leu199His). In summary, the available evidence is currently insufficient to determine the role of this variant in disease. Therefore, it has been classified as a Variant of Uncertain Significance. Algorithms developed to predict the effect of missense changes on protein structure and function are either unavailable or do not agree on the potential impact of this missense change (SIFT: "Deleterious"; PolyPhen-2: "Possibly Damaging"; Align-GVGD: "Class C0"). This variant has not been reported in the literature in individuals affected with PALB2-related conditions. This variant is not present in population databases (gnomAD no frequency).

NM_024675.4(PALB2):c.596T>A (p.Leu199His)

Gene: PALB2 (partner and localizer of BRCA2; minus strand). Cytogenetic location: 16p12.2.
Variant type: single nucleotide variant.
Coding change: c.596T>A on transcript NM_024675.4 (MANE Select); coding-DNA position 596, T replaced by A.
Protein change: p.Leu199His; replaces leucine 199 with histidine.
Molecular consequence: missense variant.
Genome position (GRCh38, 1-based): chr16:23,635,950, A>T on the plus strand (T>A on the coding strand, the complement: PALB2 is on the minus strand). VCF-style: chr16-23635950-A-T. GRCh37 (hg19) VCF-style: chr16-23647271-A-T.
Other names: c.536T>A, p.Leu179His (NM_001407296.1); c.596T>A, p.Leu199His (NM_001407297.1, NM_001407298.1, NM_001407299.1 and 3 more transcripts); c.-290T>A (NM_001407304.1, NM_001407305.1, NM_001407306.1 and 5 more transcripts); short protein forms L199H, L179H.
Identifiers: ClinVar variation 2000882 (VCV002000882.4), dbSNP rs2142439574, ClinGen allele CA395136705.